The following is an entry in ClinVar:

NM_001447.3(FAT2):c.2876A>G (p.Glu959Gly)

Gene: FAT2 (FAT atypical cadherin 2; minus strand). Cytogenetic location: 5q33.1.
Variant type: single nucleotide variant.
Coding change: c.2876A>G on transcript NM_001447.3 (MANE Select); coding-DNA position 2876, A replaced by G.
Protein change: p.Glu959Gly; replaces glutamic acid 959 with glycine.
Molecular consequence: missense variant.
Genome position (GRCh38, 1-based): chr5:151,566,056, T>C on the plus strand (A>G on the coding strand, the complement: FAT2 is on the minus strand). VCF-style: chr5-151566056-T-C. GRCh37 (hg19) VCF-style: chr5-150945617-T-C.
Other names: short protein forms E959G.
Identifiers: ClinVar variation 2043597 (VCV002043597.4), dbSNP rs144171141, ClinGen allele CA3521979.
Genomic context (GRCh38, chr5:151,566,056, plus strand): 5'-CCTGTCATCAGGTCCACCCGGAAGGTCCCATGGGCGCCATCCATCAGAACATATCGCACT[T>C]CACCTGCGGGGCCCAGGTCAGGATCAGAGGCATCCAGAAATGTCAAGACAGTCCCGGGGG-3'
Protein context (NP_001438.1, residues 949-969): ASDPDLGPAG[Glu959Gly]VRYVLMDGAH

ClinVar aggregate classification (germline): Uncertain significance (1 of 4 stars; one submission).

Allele frequency attached by ClinVar (database versions not stated): ExAC 0.00002; gnomAD 0.00018; TOPMed 0.00019; ESP Exome Variant Server 0.00031; gnomAD exomes 0.00001.

Submission:

Labcorp Genetics (formerly Invitae), Labcorp
Classification: Uncertain significance. Last evaluated: 2023-08-17. Review status: criteria provided, single submitter. Criteria: Invitae Variant Classification Sherloc (09022015). Collection method: clinical testing. Allele origin: germline.
Comment: In summary, the available evidence is currently insufficient to determine the role of this variant in disease. Therefore, it has been classified as a Variant of Uncertain Significance. Advanced modeling of protein sequence and biophysical properties (such as structural, functional, and spatial information, amino acid conservation, physicochemical variation, residue mobility, and thermodynamic stability) performed at Invitae indicates that this missense variant is not expected to disrupt FAT2 protein function. ClinVar contains an entry for this variant (Variation ID: 2043597). This variant has not been reported in the literature in individuals affected with FAT2-related conditions. This variant is present in population databases (rs144171141, gnomAD 0.06%), and has an allele count higher than expected for a pathogenic variant. This sequence change replaces glutamic acid, which is acidic and polar, with glycine, which is neutral and non-polar, at codon 959 of the FAT2 protein (p.Glu959Gly).